The following is an entry in ClinVar:

ClinVar aggregate classification (germline): Uncertain significance. Review status: criteria provided, multiple submitters, no conflicts (2 of 4 stars). 4 submissions from 4 submitters: Uncertain significance (4). Last evaluated 2025-11-08.

Conditions:
Inborn genetic diseases. Identifiers: MedGen C0950123, MeSH D030342.
Primary ciliary dyskinesia 25 (CILD25). Also called: CILIARY DYSKINESIA, PRIMARY, 25, WITH OR WITHOUT SITUS INVERSUS. Identifiers: Orphanet 244, MedGen C3809641, MONDO:0014203, OMIM 615482.

Allele frequency attached by ClinVar (database versions not stated): ExAC 0.00002; gnomAD exomes 0.00002 and 0.00008; gnomAD 0.00005 and 0.00006; TOPMed 0.00005.

Submissions (4):

Ambry Genetics
Classification: Uncertain significance for Inborn genetic diseases. Last evaluated: 2025-11-08. Review status: criteria provided, single submitter. Criteria: Ambry Variant Classification Scheme 2023. Collection method: clinical testing. Allele origin: germline.

Labcorp Genetics (formerly Invitae), Labcorp
Classification: Uncertain significance. Last evaluated: 2025-11-03. Review status: criteria provided, single submitter. Criteria: Invitae Variant Classification Sherloc (09022015). Collection method: clinical testing. Allele origin: germline.
Comment: This sequence change replaces methionine, which is neutral and non-polar, with isoleucine, which is neutral and non-polar, at codon 134 of the DNAAF4 protein (p.Met134Ile). This variant is present in population databases (rs747493543, gnomAD 0.004%). This variant has not been reported in the literature in individuals affected with DNAAF4-related conditions. ClinVar contains an entry for this variant (Variation ID: 853435). Invitae Evidence Modeling of protein sequence and biophysical properties (such as structural, functional, and spatial information, amino acid conservation, physicochemical variation, residue mobility, and thermodynamic stability) indicates that this missense variant is not expected to disrupt DNAAF4 protein function with a negative predictive value of 80%. In summary, the available evidence is currently insufficient to determine the role of this variant in disease. Therefore, it has been classified as a Variant of Uncertain Significance.

Mayo Clinic Laboratories, Mayo Clinic
Classification: Uncertain significance. Last evaluated: 2025-04-10. Review status: criteria provided, single submitter. Criteria: ACMG Guidelines, 2015. Collection method: clinical testing. Allele origin: germline. Observed: 1 variant allele.
Comment: BP4_moderate, PM2_supporting

Revvity Omics, Revvity
Classification: Uncertain significance for Primary ciliary dyskinesia 25. Last evaluated: 2024-02-28. Review status: criteria provided, single submitter. Criteria: ACMG Guidelines, 2015. Collection method: clinical testing. Allele origin: germline.

NM_130810.4(DNAAF4):c.402G>A (p.Met134Ile)

Genes: DNAAF4 (dynein axonemal assembly factor 4; minus strand), DNAAF4-CCPG1 (DNAAF4-CCPG1 readthrough (NMD candidate); minus strand). Cytogenetic location: 15q21.3.
Variant type: single nucleotide variant.
Coding change: c.402G>A on transcript NM_130810.4 (MANE Select); coding-DNA position 402, G replaced by A.
Protein change: p.Met134Ile; replaces methionine 134 with isoleucine.
Molecular consequence: missense variant. On other transcripts: non-coding transcript variant (1).
Genome position (GRCh38, 1-based): chr15:55,491,126, C>T on the plus strand (G>A on the coding strand, the complement: DNAAF4 is on the minus strand). VCF-style: chr15-55491126-C-T. GRCh37 (hg19) VCF-style: chr15-55783324-C-T.
Other names: p.Met134Ile; c.402G>A, p.Met134Ile (NM_001033559.3, NM_001033560.2); short protein forms M134I.
Identifiers: ClinVar variation 853435 (VCV000853435.10), dbSNP rs747493543, ClinGen allele CA7575053.